The following is an entry in ClinVar:

ClinVar aggregate classification (germline): Conflicting classifications of pathogenicity. Review status: criteria provided, conflicting classifications (1 of 4 stars). 3 submissions from 3 submitters: Uncertain significance (1); Likely benign (1). 1 of the submissions does not count toward it. Last evaluated 2025-12-29.

Conditions:
Epidermolysis bullosa simplex 5C, with pyloric atresia (EBS5C). Also called: PLEC-Related Epidermolysis Bullosa with Pyloric Atresia; Epidermolysis bullosa simplex with pyloric atresia; PLEC1-Related Epidermolysis Bullosa with Pyloric Atresia. Identifiers: Orphanet 158684, MedGen C2677349, MONDO:0012807, OMIM 612138.
Epidermolysis bullosa simplex with nail dystrophy (EBS5D). Identifiers: MedGen C4225309, MONDO:0014661, OMIM 616487.
Epidermolysis bullosa simplex, Ogna type (EBS5A). Also called: Pidermolysis bullosa simplex 5A, Ogna type; EPIDERMOLYSIS BULLOSA SIMPLEX 5A, OGNA TYPE. Identifiers: Orphanet 79401, MedGen C0432317, MONDO:0007555, OMIM 131950.
Autosomal recessive limb-girdle muscular dystrophy type 2Q (LGMDR17). Also called: MUSCULAR DYSTROPHY, LIMB-GIRDLE, AUTOSOMAL RECESSIVE 17. Identifiers: Orphanet 254361, MedGen C3150989, MONDO:0013390, OMIM 613723.
Epidermolysis bullosa simplex 5B, with muscular dystrophy (EBS5B). Also called: EPIDERMOLYSIS BULLOSA SIMPLEX AND LIMB-GIRDLE MUSCULAR DYSTROPHY; Epidermolysis bullosa simplex with muscular dystrophy. Identifiers: Orphanet 257, MedGen C2931072, MONDO:0009181, OMIM 226670.
PLEC-related disorder. Also called: PLEC-related condition; PLEC-related disorders.

Allele frequency attached by ClinVar (database versions not stated): gnomAD exomes 0.00003 and 0.00006; ExAC 0.00008; ESP Exome Variant Server 0.00016; 1000 Genomes Project 0.00020; TOPMed 0.00025; gnomAD 0.00026 and 0.00029; 1000 Genomes Project 30x 0.00031.
gnomAD v4.1: 80 of 1,613,092 alleles (0.005%); highest among the groups gnomAD compares: African/African-American, 0.08%; no homozygotes.

Submissions (3):

Labcorp Genetics (formerly Invitae), Labcorp
Classification: Likely benign for Autosomal recessive limb-girdle muscular dystrophy type 2Q; Epidermolysis bullosa simplex, Ogna type; Epidermolysis bullosa simplex with nail dystrophy; Epidermolysis bullosa simplex 5C, with pyloric atresia; Epidermolysis bullosa simplex 5B, with muscular dystrophy. Last evaluated: 2025-12-29. Review status: criteria provided, single submitter. Criteria: Invitae Variant Classification Sherloc (09022015). Collection method: clinical testing. Allele origin: germline.

Eurofins Ntd Llc (ga)
Classification: Uncertain significance. Last evaluated: 2017-02-28. Review status: criteria provided, single submitter. Criteria: EGL Classification Definitions 2015. Collection method: clinical testing. Allele origin: germline. Observed: 1 variant allele, 1 heterozygote.

PreventionGenetics, part of Exact Sciences
Classification: Likely benign for PLEC-related condition. Last evaluated: 2019-04-10. Review status: no assertion criteria provided. Collection method: clinical testing. Allele origin: germline. Not counted in ClinVar's aggregate classification.
Comment: This variant is classified as likely benign based on ACMG/AMP sequence variant interpretation guidelines (Richards et al. 2015 PMID: 25741868, with internal and published modifications).

NM_201384.3(PLEC):c.3831C>T (p.Asn1277=)

Gene: PLEC (plectin; minus strand). Cytogenetic location: 8q24.3.
Variant type: single nucleotide variant.
Coding change: c.3831C>T on transcript NM_201384.3 (MANE Select); coding-DNA position 3831, C replaced by T.
Protein change: p.Asn1277=; no amino-acid change (asparagine 1277 retained).
Molecular consequence: synonymous variant.
Genome position (GRCh38, 1-based): chr8:143,927,261, G>A on the plus strand (C>T on the coding strand, the complement: PLEC is on the minus strand). VCF-style: chr8-143927261-G-A. GRCh37 (hg19) VCF-style: chr8-145001429-G-A.
Other names: c.3912C>T (NM_000445.4); c.3912C>T, p.Asn1304= (NM_000445.5); c.3789C>T, p.Asn1263= (NM_201378.4); c.3765C>T, p.Asn1255= (NM_201379.3); c.4242C>T, p.Asn1414= (NM_201380.4); c.3735C>T, p.Asn1245= (NM_201381.3); c.3831C>T, p.Asn1277= (NM_201382.4); c.3843C>T, p.Asn1281= (NM_201383.3).
Identifiers: ClinVar variation 500625 (VCV000500625.14), dbSNP rs202217053, ClinGen allele CA4926916.